The following is an entry in ClinVar:

ClinVar aggregate classification (germline): Uncertain significance (1 of 4 stars; one submission).

Submission:

Labcorp Genetics (formerly Invitae), Labcorp
Classification: Uncertain significance. Last evaluated: 2024-03-04. Review status: criteria provided, single submitter. Criteria: Invitae Variant Classification Sherloc (09022015). Collection method: clinical testing. Allele origin: germline.
Comment: This sequence change replaces histidine, which is basic and polar, with tyrosine, which is neutral and polar, at codon 157 of the ADAM9 protein (p.His157Tyr). This variant is not present in population databases (gnomAD no frequency). This variant has not been reported in the literature in individuals affected with ADAM9-related conditions. ClinVar contains an entry for this variant (Variation ID: 2112457). Advanced modeling of protein sequence and biophysical properties (such as structural, functional, and spatial information, amino acid conservation, physicochemical variation, residue mobility, and thermodynamic stability) performed at Invitae indicates that this missense variant is not expected to disrupt ADAM9 protein function with a negative predictive value of 80%. In summary, the available evidence is currently insufficient to determine the role of this variant in disease. Therefore, it has been classified as a Variant of Uncertain Significance.

NM_003816.3(ADAM9):c.469C>T (p.His157Tyr)

Gene: ADAM9 (ADAM metallopeptidase domain 9; plus strand). Cytogenetic location: 8p11.22.
Variant type: single nucleotide variant.
Coding change: c.469C>T on transcript NM_003816.3 (MANE Select); coding-DNA position 469, C replaced by T.
Protein change: p.His157Tyr; replaces histidine 157 with tyrosine.
Molecular consequence: missense variant. On other transcripts: non-coding transcript variant (3).
Genome position (GRCh38, 1-based): chr8:39,017,277, C>T. VCF-style: chr8-39017277-C-T. GRCh37 (hg19) VCF-style: chr8-38874796-C-T.
Other names: short protein forms H157Y.
Identifiers: ClinVar variation 2112457 (VCV002112457.4), dbSNP rs2491979900, ClinGen allele CA370753334.
Genomic context (GRCh38, chr8:39,017,277, plus strand): 5'-AGAGGATTGCTGCATTTAGAGAATGCGAGTTATGGGATTGAACCCCTGCAGAACAGCTCT[C>T]ATTTTGAGCACATCATTTATCGAATGGATGATGTCTACAAAGAGCCTCTGAAATGTGGAG-3'
Protein context (NP_003807.1, residues 147-167): YGIEPLQNSS[His157Tyr]FEHIIYRMDD